The following is an entry in ClinVar:

NM_000081.4(LYST):c.989C>G (p.Thr330Arg)

Gene: LYST (lysosomal trafficking regulator; minus strand). Cytogenetic location: 1q42.3.
Variant type: single nucleotide variant.
Coding change: c.989C>G on transcript NM_000081.4 (MANE Select); coding-DNA position 989, C replaced by G.
Protein change: p.Thr330Arg; replaces threonine 330 with arginine.
Molecular consequence: missense variant.
Genome position (GRCh38, 1-based): chr1:235,809,829, G>C on the plus strand (C>G on the coding strand, the complement: LYST is on the minus strand). VCF-style: chr1-235809829-G-C. GRCh37 (hg19) VCF-style: chr1-235973129-G-C.
Other names: c.989C>G, p.Thr330Arg (NM_001301365.1); short protein forms T330R.
Identifiers: ClinVar variation 2010175 (VCV002010175.4), dbSNP rs2527122150, ClinGen allele CA344963524.

ClinVar aggregate classification (germline): Uncertain significance (1 of 4 stars; one submission).

Conditions:
Chédiak-Higashi syndrome (CHS). Also called: Chediak-Higashi Syndrome. Identifiers: Orphanet 167, MedGen C0007965, MONDO:0008963, OMIM 214500.

Submission:

Labcorp Genetics (formerly Invitae), Labcorp
Classification: Uncertain significance for Chédiak-Higashi syndrome. Last evaluated: 2022-09-27. Review status: criteria provided, single submitter. Criteria: Invitae Variant Classification Sherloc (09022015). Collection method: clinical testing. Allele origin: germline.
Comment: In summary, the available evidence is currently insufficient to determine the role of this variant in disease. Therefore, it has been classified as a Variant of Uncertain Significance. Advanced modeling of protein sequence and biophysical properties (such as structural, functional, and spatial information, amino acid conservation, physicochemical variation, residue mobility, and thermodynamic stability) performed at Invitae indicates that this missense variant is not expected to disrupt LYST protein function. This variant has not been reported in the literature in individuals affected with LYST-related conditions. This variant is not present in population databases (gnomAD no frequency). This sequence change replaces threonine, which is neutral and polar, with arginine, which is basic and polar, at codon 330 of the LYST protein (p.Thr330Arg).